The following is an entry in ClinVar:

ClinVar aggregate classification (germline): Likely benign. Review status: criteria provided, multiple submitters, no conflicts (2 of 4 stars). 3 submissions from 3 submitters: Likely benign (3). Last evaluated 2026-05-05.

Conditions:
PLXNA1-related disorder. Also called: PLXNA1-related condition.

Allele frequency attached by ClinVar (database versions not stated): ExAC 0.00004; gnomAD 0.00008; gnomAD exomes 0.00009; TOPMed 0.00010; ESP Exome Variant Server 0.00015.
gnomAD v4.1: 139 of 1,606,492 alleles (0.0087%); highest among the groups gnomAD compares: Non-Finnish European, 0.01%; no homozygotes.

Submissions (4):

PreventionGenetics, part of Exact Sciences
Classification: Likely benign for PLXNA1-related condition. Last evaluated: 2026-05-05. Review status: criteria provided, single submitter. Criteria: ACMG Guidelines, 2015. Collection method: clinical testing. Allele origin: germline.
Comment: This variant is classified as likely benign based on ACMG/AMP sequence variant interpretation guidelines (Richards et al. 2015 PMID: 25741868, with internal and published modifications).

CeGaT Center for Human Genetics Tuebingen
Classification: Likely benign. Last evaluated: 2025-09-01. Review status: criteria provided, single submitter. Criteria: CeGaT Center For Human Genetics Tuebingen Variant Classification Criteria Version 2. Collection method: clinical testing. Allele origin: germline. Affected: yes. Observed: 1 variant allele.
Comment: PLXNA1: BP4, BP7

Labcorp Genetics (formerly Invitae), Labcorp
Classification: Likely benign. Last evaluated: 2024-10-08. Review status: criteria provided, single submitter. Criteria: Invitae Variant Classification Sherloc (09022015). Collection method: clinical testing. Allele origin: germline.

Dr. Peter K. Rogan Lab, Western University
No classification provided (evidence only). Condition: Acute myeloid leukemia. Review status: no classification provided. Collection method: in vitro. Allele origin: not applicable. Functional consequence: retained intron. Not counted in ClinVar's aggregate classification.

NM_032242.4(PLXNA1):c.183C>T (p.Gly61=)

Gene: PLXNA1 (plexin A1; plus strand). Cytogenetic location: 3q21.3.
Variant type: single nucleotide variant.
Coding change: c.183C>T on transcript NM_032242.4 (MANE Select); coding-DNA position 183, C replaced by T.
Protein change: p.Gly61=; no amino-acid change (glycine 61 retained).
Molecular consequence: synonymous variant.
Genome position (GRCh38, 1-based): chr3:126,988,776, C>T. VCF-style: chr3-126988776-C-T. GRCh37 (hg19) VCF-style: chr3-126707619-C-T.
Identifiers: ClinVar variation 3054355 (VCV003054355.13), dbSNP rs373400719, ClinGen allele CA2592928.